The following is an entry in ClinVar:

ClinVar aggregate classification (germline): Uncertain significance (1 of 4 stars; one submission).

gnomAD v4.1: 5 of 1,195,756 alleles (0.00042%); highest among the groups gnomAD compares: Non-Finnish European, 0.00056%; no homozygotes.

Submission:

GeneDx
Classification: Uncertain significance. Last evaluated: 2023-11-16. Review status: criteria provided, single submitter. Criteria: GeneDx Variant Classification Process June 2021. Collection method: clinical testing. Allele origin: germline. Affected: yes.
Comment: Not observed at significant frequency in large population cohorts (gnomAD); In silico analysis supports that this missense variant does not alter protein structure/function; Has not been previously published as pathogenic or benign to our knowledge; Variants in candidate genes are classified as variants of uncertain significance in accordance with ACMG guidelines (PMID: 25741868)

NM_182699.4(DDX53):c.1861G>A (p.Gly621Arg)

Genes: DDX53 (DEAD-box helicase 53; plus strand), PTCHD1-AS (PTCHD1 antisense RNA (head to head); minus strand). Cytogenetic location: Xp22.11.
Variant type: single nucleotide variant.
Coding change: c.1861G>A on transcript NM_182699.4 (MANE Select); coding-DNA position 1861, G replaced by A.
Protein change: p.Gly621Arg; replaces glycine 621 with arginine.
Molecular consequence: missense variant.
Genome position (GRCh38, 1-based): chrX:23,001,918, G>A. VCF-style: chrX-23001918-G-A. GRCh37 (hg19) VCF-style: chrX-23020035-G-A.
Other names: short protein forms G621R.
Identifiers: ClinVar variation 3573578 (VCV003573578.1).